The following is an entry in ClinVar:

NM_033131.4(WNT3A):c.527G>A (p.Arg176Gln)

Gene: WNT3A (Wnt family member 3A; plus strand). Cytogenetic location: 1q42.13.
Variant type: single nucleotide variant.
Coding change: c.527G>A on transcript NM_033131.4 (MANE Select); coding-DNA position 527, G replaced by A.
Protein change: p.Arg176Gln; replaces arginine 176 with glutamine.
Molecular consequence: missense variant.
Genome position (GRCh38, 1-based): chr1:228,050,869, G>A. VCF-style: chr1-228050869-G-A. GRCh37 (hg19) VCF-style: chr1-228238570-G-A.
Other names: short protein forms R176Q.
Identifiers: ClinVar variation 1911598 (VCV001911598.5), dbSNP rs779729203, ClinGen allele CA1429477.

ClinVar aggregate classification (germline): Uncertain significance (1 of 4 stars; one submission).

Allele frequency attached by ClinVar (database versions not stated): ExAC 0.00001; gnomAD exomes 0.00002; TOPMed 0.00002.
gnomAD v4.1: 24 of 1,586,126 alleles (0.0015%); highest among the groups gnomAD compares: Non-Finnish European, 0.0017%; no homozygotes.

Submission:

Labcorp Genetics (formerly Invitae), Labcorp
Classification: Uncertain significance. Last evaluated: 2025-09-08. Review status: criteria provided, single submitter. Criteria: Invitae Variant Classification Sherloc (09022015). Collection method: clinical testing. Allele origin: germline.
Comment: This sequence change replaces arginine, which is basic and polar, with glutamine, which is neutral and polar, at codon 176 of the WNT3A protein (p.Arg176Gln). This variant is present in population databases (rs779729203, gnomAD 0.004%). This variant has not been reported in the literature in individuals affected with WNT3A-related conditions. ClinVar contains an entry for this variant (Variation ID: 1911598). Invitae Evidence Modeling of protein sequence and biophysical properties (such as structural, functional, and spatial information, amino acid conservation, physicochemical variation, residue mobility, and thermodynamic stability) indicates that this missense variant is not expected to disrupt WNT3A protein function with a negative predictive value of 80%. In summary, the available evidence is currently insufficient to determine the role of this variant in disease. Therefore, it has been classified as a Variant of Uncertain Significance.